The following is an entry in ClinVar:

NM_172250.3(MMAA):c.898C>T (p.Arg300Ter)

Gene: MMAA (metabolism of cobalamin associated A; plus strand). Cytogenetic location: 4q31.21.
Variant type: single nucleotide variant.
Coding change: c.898C>T on transcript NM_172250.3 (MANE Select); coding-DNA position 898, C replaced by T.
Protein change: p.Arg300Ter; replaces arginine 300 with a stop codon.
Molecular consequence: nonsense.
Genome position (GRCh38, 1-based): chr4:145,654,072, C>T. VCF-style: chr4-145654072-C-T. GRCh37 (hg19) VCF-style: chr4-146575224-C-T.
Other names: c.898C>T (NM_172250.2); c.898C>T, p.Arg300Ter (NM_001375644.1); short protein forms R300*.
Identifiers: ClinVar variation 1350506 (VCV001350506.8), dbSNP rs1340736923, ClinGen allele CA358343028.

ClinVar aggregate classification (germline): Pathogenic. Review status: criteria provided, multiple submitters, no conflicts (2 of 4 stars). 2 submissions from 2 submitters: Pathogenic (2). Last evaluated 2025-10-02.

Conditions:
Methylmalonic aciduria, cblA type (MACA). Also called: Methylmalonic aciduria, vitamin b12-responsive, due to defect in synthesis of adenosylcobalamin, cbla complementation type; MMA cbl A type; Methylmalonic acidemia cblA type; Methylmalonic aciduria, vitamin B12-responsive; Vitamin B12-responsive methylmalonic acidemia type cblA. Identifiers: Orphanet 28, Orphanet 79310, MedGen C1855109, MONDO:0009613, OMIM 251100.

Allele frequency attached by ClinVar (database versions not stated): TOPMed 0.00001.
gnomAD v4.1: 1 of 1,614,080 alleles (0.000062%); highest among the groups gnomAD compares: Non-Finnish European, 0.000085%; no homozygotes.

Submissions (2):

Natera, Inc.
Classification: Pathogenic for Methylmalonic aciduria cblA type. Last evaluated: 2025-10-02. Review status: criteria provided, single submitter. Criteria: Natera Variant Classification Schema (03/2026). Collection method: clinical testing. Allele origin: germline.
Comment: The c.898C>T variant in MMAA is a nonsense variant predicted to introduce a stop codon at amino acid 300. This variant is expected to result in nonsense mediated decay, truncation, or a dysfunctional protein product. This variant is rare in the general population with a frequency below the threshold expected for the associated phenotype(s). This variant has been observed in one or more individuals affected with the associated recessive disease, as either homozygous or compound heterozygous with a second variant (PMID: 25636100). Given the available evidence, this variant is classified as Pathogenic.

Labcorp Genetics (formerly Invitae), Labcorp
Classification: Pathogenic for Methylmalonic aciduria, cblA type. Last evaluated: 2023-11-27. Review status: criteria provided, single submitter. Criteria: Invitae Variant Classification Sherloc (09022015). Collection method: clinical testing. Allele origin: germline.
Comment: This sequence change creates a premature translational stop signal (p.Arg300*) in the MMAA gene. It is expected to result in an absent or disrupted protein product. Loss-of-function variants in MMAA are known to be pathogenic (PMID: 15523652, 15781192). This variant is present in population databases (no rsID available, gnomAD 0.0009%). This premature translational stop signal has been observed in individual(s) with methylmalonic aciduria (PMID: 25636100, 31622506). ClinVar contains an entry for this variant (Variation ID: 1350506). For these reasons, this variant has been classified as Pathogenic.

Literature cited by the submitters: PubMed 25636100 (cited by Natera, Inc. and Labcorp Genetics (formerly Invitae), Labcorp); PubMed 15523652 (cited by Labcorp Genetics (formerly Invitae), Labcorp); PubMed 15781192 (cited by Labcorp Genetics (formerly Invitae), Labcorp); PubMed 31622506 (cited by Labcorp Genetics (formerly Invitae), Labcorp).